The following is an entry in ClinVar:

NM_052874.5(STX1B):c.799A>G (p.Ile267Val)

Gene: STX1B (syntaxin 1B; minus strand). Cytogenetic location: 16p11.2.
Variant type: single nucleotide variant.
Coding change: c.799A>G on transcript NM_052874.5 (MANE Select); coding-DNA position 799, A replaced by G.
Protein change: p.Ile267Val; replaces isoleucine 267 with valine.
Molecular consequence: missense variant.
Genome position (GRCh38, 1-based): chr16:30,992,889, T>C on the plus strand (A>G on the coding strand, the complement: STX1B is on the minus strand). VCF-style: chr16-30992889-T-C. GRCh37 (hg19) VCF-style: chr16-31004210-T-C.
Other names: short protein forms I267V.
Identifiers: ClinVar variation 1704806 (VCV001704806.2), dbSNP rs2543953779, ClinGen allele CA395646132.

ClinVar aggregate classification (germline): Uncertain significance (1 of 4 stars; one submission).

Submission:

GeneDx
Classification: Uncertain significance. Last evaluated: 2022-03-10. Review status: criteria provided, single submitter. Criteria: GeneDx Variant Classification Process June 2021. Collection method: clinical testing. Allele origin: germline. Affected: yes.
Comment: Not observed at significant frequency in large population cohorts (gnomAD); In silico analysis supports that this missense variant does not alter protein structure/function; Has not been previously published as pathogenic or benign to our knowledge